The following is an entry in ClinVar:

NM_001942.4(DSG1):c.2033G>T (p.Arg678Ile)

Genes: DSG1 (desmoglein 1; plus strand), DSG1-AS1 (DSG1 antisense RNA 1; minus strand). Cytogenetic location: 18q12.1.
Variant type: single nucleotide variant.
Coding change: c.2033G>T on transcript NM_001942.4 (MANE Select); coding-DNA position 2033, G replaced by T.
Protein change: p.Arg678Ile; replaces arginine 678 with isoleucine.
Molecular consequence: missense variant.
Genome position (GRCh38, 1-based): chr18:31,346,131, G>T. VCF-style: chr18-31346131-G-T. GRCh37 (hg19) VCF-style: chr18-28926094-G-T.
Other names: short protein forms R678I.
Identifiers: ClinVar variation 1491377 (VCV001491377.6), dbSNP rs1220740664, ClinGen allele CA402118900.

ClinVar aggregate classification (germline): Uncertain significance (1 of 4 stars; one submission).

Allele frequency attached by ClinVar (database versions not stated): gnomAD exomes below 0.00001; gnomAD 0.00001.
gnomAD v4.1: 3 of 1,613,786 alleles (0.00019%); highest among the groups gnomAD compares: South Asian, 0.0033%; no homozygotes.

Submission:

Labcorp Genetics (formerly Invitae), Labcorp
Classification: Uncertain significance. Last evaluated: 2021-09-18. Review status: criteria provided, single submitter. Criteria: Invitae Variant Classification Sherloc (09022015). Collection method: clinical testing. Allele origin: germline.
Comment: In summary, the available evidence is currently insufficient to determine the role of this variant in disease. Therefore, it has been classified as a Variant of Uncertain Significance. Algorithms developed to predict the effect of missense changes on protein structure and function are either unavailable or do not agree on the potential impact of this missense change (SIFT: "Deleterious"; PolyPhen-2: "Probably Damaging"; Align-GVGD: "Class C0"). This variant has not been reported in the literature in individuals affected with DSG1-related conditions. This variant is not present in population databases (ExAC no frequency). This sequence change replaces arginine with isoleucine at codon 678 of the DSG1 protein (p.Arg678Ile). The arginine residue is highly conserved and there is a moderate physicochemical difference between arginine and isoleucine.